The following is an entry in ClinVar:

ClinVar aggregate classification (germline): Uncertain significance (1 of 4 stars; one submission).

gnomAD v4.1: 4 of 1,210,012 alleles (0.00033%); highest among the groups gnomAD compares: Admixed American, 0.0066%; no homozygotes.

Submission:

Labcorp Genetics (formerly Invitae), Labcorp
Classification: Uncertain significance. Last evaluated: 2025-12-26. Review status: criteria provided, single submitter. Criteria: Invitae Variant Classification Sherloc (09022015). Collection method: clinical testing. Allele origin: germline.
Comment: This sequence change replaces glutamine, which is neutral and polar, with arginine, which is basic and polar, at codon 898 of the BRWD3 protein (p.Gln898Arg). This variant is present in population databases (rs765212516, gnomAD 0.008%), including at least one homozygous and/or hemizygous individual. This variant has not been reported in the literature in individuals affected with BRWD3-related conditions. Invitae Evidence Modeling of protein sequence and biophysical properties (such as structural, functional, and spatial information, amino acid conservation, physicochemical variation, residue mobility, and thermodynamic stability) indicates that this missense variant is not expected to disrupt BRWD3 protein function with a negative predictive value of 80%. In summary, the available evidence is currently insufficient to determine the role of this variant in disease. Therefore, it has been classified as a Variant of Uncertain Significance.

NM_153252.5(BRWD3):c.2693A>G (p.Gln898Arg)

Gene: BRWD3 (bromodomain and WD repeat domain containing 3; minus strand). Cytogenetic location: Xq21.1.
Variant type: single nucleotide variant.
Coding change: c.2693A>G on transcript NM_153252.5 (MANE Select); coding-DNA position 2693, A replaced by G.
Protein change: p.Gln898Arg; replaces glutamine 898 with arginine.
Molecular consequence: missense variant.
Genome position (GRCh38, 1-based): chrX:80,704,706, T>C on the plus strand (A>G on the coding strand, the complement: BRWD3 is on the minus strand). VCF-style: chrX-80704706-T-C. GRCh37 (hg19) VCF-style: chrX-79960205-T-C.
Other names: c.2543A>G, p.Gln848Arg (NM_001441339.1); short protein forms Q848R, Q898R.
Identifiers: ClinVar variation 4780803 (VCV004780803.1).